The following is an entry in ClinVar:

NM_003000.3(SDHB):c.107C>T (p.Ala36Val)

Gene: SDHB (succinate dehydrogenase complex iron sulfur subunit B; minus strand). Cytogenetic location: 1p36.13.
Variant type: single nucleotide variant.
Coding change: c.107C>T on transcript NM_003000.3 (MANE Select); coding-DNA position 107, C replaced by T.
Protein change: p.Ala36Val; replaces alanine 36 with valine.
Molecular consequence: missense variant.
Genome position (GRCh38, 1-based): chr1:17,044,854, G>A on the plus strand (C>T on the coding strand, the complement: SDHB is on the minus strand). VCF-style: chr1-17044854-G-A. GRCh37 (hg19) VCF-style: chr1-17371349-G-A.
Other names: c.107C>T, p.Ala36Val (NM_001407361.1); short protein forms A36V.
Identifiers: ClinVar variation 1785963 (VCV001785963.3), dbSNP rs1337800267, ClinGen allele CA338228298.

ClinVar aggregate classification (germline): Uncertain significance (1 of 4 stars; one submission).

Conditions:
Hereditary cancer-predisposing syndrome. Also called: Neoplastic Syndromes, Hereditary; Tumor predisposition; Hereditary Cancer Syndrome; Hereditary neoplastic syndrome. Identifiers: Orphanet 140162, MedGen C0027672, MeSH D009386, MONDO:0015356.

Allele frequency attached by ClinVar (database versions not stated): gnomAD exomes below 0.00001.
gnomAD v4.1: 4 of 1,613,974 alleles (0.00025%); highest among the groups gnomAD compares: Non-Finnish European, 0.00034%; no homozygotes.

Submission:

Ambry Genetics
Classification: Uncertain significance for Hereditary cancer-predisposing syndrome. Last evaluated: 2025-11-15. Review status: criteria provided, single submitter. Criteria: Ambry Variant Classification Scheme 2023. Collection method: clinical testing. Allele origin: germline.
Comment: The p.A36V variant (also known as c.107C>T), located in coding exon 2 of the SDHB gene, results from a C to T substitution at nucleotide position 107. The alanine at codon 36 is replaced by valine, an amino acid with similar properties. This amino acid position is conserved. In addition, the in silico prediction for this alteration is inconclusive. Since supporting evidence is limited at this time, the clinical significance of this alteration remains unclear.